The following is an entry in ClinVar:

NM_003954.5(MAP3K14):c.2722C>T (p.Pro908Ser)

Genes: MAP3K14 (mitogen-activated protein kinase kinase kinase 14; minus strand), MAP3K14-AS1 (MAP3K14 antisense RNA 1; plus strand). Cytogenetic location: 17q21.31.
Variant type: single nucleotide variant.
Coding change: c.2722C>T on transcript NM_003954.5 (MANE Select); coding-DNA position 2722, C replaced by T.
Protein change: p.Pro908Ser; replaces proline 908 with serine.
Molecular consequence: missense variant.
Genome position (GRCh38, 1-based): chr17:45,264,758, G>A on the plus strand (C>T on the coding strand, the complement: MAP3K14 is on the minus strand). VCF-style: chr17-45264758-G-A. GRCh37 (hg19) VCF-style: chr17-43342125-G-A.
Other names: short protein forms P908S.
Identifiers: ClinVar variation 1717522 (VCV001717522.6), dbSNP rs1275224652, ClinGen allele CA399869758.

ClinVar aggregate classification (germline): Uncertain significance (1 of 4 stars; one submission).

Conditions:
NIK deficiency. Also called: Primary immunodeficiency with multifaceted aberrant lymphoid immunity. Identifiers: Orphanet 447731, MedGen C5680065, MONDO:0018642.

Allele frequency attached by ClinVar (database versions not stated): TOPMed below 0.00001.

Submission:

Labcorp Genetics (formerly Invitae), Labcorp
Classification: Uncertain significance for NIK deficiency. Last evaluated: 2022-08-21. Review status: criteria provided, single submitter. Criteria: Invitae Variant Classification Sherloc (09022015). Collection method: clinical testing. Allele origin: germline.
Comment: In summary, the available evidence is currently insufficient to determine the role of this variant in disease. Therefore, it has been classified as a Variant of Uncertain Significance. Experimental studies and prediction algorithms are not available or were not evaluated, and the functional significance of this variant is currently unknown. This variant has not been reported in the literature in individuals affected with MAP3K14-related conditions. This variant is not present in population databases (gnomAD no frequency). This sequence change replaces proline, which is neutral and non-polar, with serine, which is neutral and polar, at codon 908 of the MAP3K14 protein (p.Pro908Ser).